The following is an entry in ClinVar:

NM_006015.6(ARID1A):c.200A>G (p.Gln67Arg)

Gene: ARID1A (AT-rich interaction domain 1A; plus strand). Cytogenetic location: 1p36.11.
Variant type: single nucleotide variant.
Coding change: c.200A>G on transcript NM_006015.6 (MANE Select); coding-DNA position 200, A replaced by G.
Protein change: p.Gln67Arg; replaces glutamine 67 with arginine.
Molecular consequence: missense variant.
Genome position (GRCh38, 1-based): chr1:26,696,603, A>G. VCF-style: chr1-26696603-A-G. GRCh37 (hg19) VCF-style: chr1-27023094-A-G.
Other names: c.200A>G, p.Gln67Arg (NM_139135.4); short protein forms Q67R.
Identifiers: ClinVar variation 2709400 (VCV002709400.3), dbSNP rs2124740705, ClinGen allele CA339264610.

ClinVar aggregate classification (germline): Uncertain significance (1 of 4 stars; one submission).

Submission:

Labcorp Genetics (formerly Invitae), Labcorp
Classification: Uncertain significance. Last evaluated: 2024-01-14. Review status: criteria provided, single submitter. Criteria: Invitae Variant Classification Sherloc (09022015). Collection method: clinical testing. Allele origin: germline.
Comment: This sequence change replaces glutamine, which is neutral and polar, with arginine, which is basic and polar, at codon 67 of the ARID1A protein (p.Gln67Arg). This variant is not present in population databases (gnomAD no frequency). This variant has not been reported in the literature in individuals affected with ARID1A-related conditions. Advanced modeling of protein sequence and biophysical properties (such as structural, functional, and spatial information, amino acid conservation, physicochemical variation, residue mobility, and thermodynamic stability) performed at Invitae indicates that this missense variant is not expected to disrupt ARID1A protein function with a negative predictive value of 95%. In summary, the available evidence is currently insufficient to determine the role of this variant in disease. Therefore, it has been classified as a Variant of Uncertain Significance.